The following is an entry in ClinVar:

ClinVar aggregate classification (germline): Uncertain significance (1 of 4 stars; one submission).

Allele frequency attached by ClinVar (database versions not stated): gnomAD 0.00002; TOPMed 0.00002; ESP Exome Variant Server 0.00008.
gnomAD v4.1: 3 of 1,613,724 alleles (0.00019%); highest among the groups gnomAD compares: African/African-American, 0.004%; no homozygotes.

Submission:

Labcorp Genetics (formerly Invitae), Labcorp
Classification: Uncertain significance. Last evaluated: 2025-08-11. Review status: criteria provided, single submitter. Criteria: Invitae Variant Classification Sherloc (09022015). Collection method: clinical testing. Allele origin: germline.
Comment: This sequence change replaces glycine, which is neutral and non-polar, with valine, which is neutral and non-polar, at codon 1413 of the VCAN protein (p.Gly1413Val). This variant is not present in population databases (gnomAD no frequency). This variant has not been reported in the literature in individuals affected with VCAN-related conditions. ClinVar contains an entry for this variant (Variation ID: 1951263). An algorithm developed to predict the effect of missense changes on protein structure and function (PolyPhen-2) suggests that this variant is likely to be disruptive. In summary, the available evidence is currently insufficient to determine the role of this variant in disease. Therefore, it has been classified as a Variant of Uncertain Significance.

NM_004385.5(VCAN):c.4238G>T (p.Gly1413Val)

Genes: VCAN (versican; plus strand), VCAN-AS1 (VCAN antisense RNA 1; minus strand). Cytogenetic location: 5q14.3.
Variant type: single nucleotide variant.
Coding change: c.4238G>T on transcript NM_004385.5 (MANE Select); coding-DNA position 4238, G replaced by T.
Protein change: p.Gly1413Val; replaces glycine 1413 with valine.
Molecular consequence: missense variant. On other transcripts: intron variant (2).
Genome position (GRCh38, 1-based): chr5:83,537,241, G>T. VCF-style: chr5-83537241-G-T. GRCh37 (hg19) VCF-style: chr5-82833060-G-T.
Other names: c.1277G>T, p.Gly426Val (NM_001164097.2); c.4004-8296G>T (NM_001164098.2); c.1043-8296G>T (NM_001126336.3); short protein forms G1413V, G426V.
Identifiers: ClinVar variation 1951263 (VCV001951263.5), dbSNP rs145974479, ClinGen allele CA121807515.
Genomic context (GRCh38, chr5:83,537,241, plus strand): 5'-AAGAAGAGTGTGCAAATGCTACTGATGTGACAACCACCCCATCTGTGCAGTACATAAATG[G>T]GAAGCATCTCGTTACCACTGTGCCCAAGGACCCAGAAGCTGCAGAAGCTAGGCGTGGCCA-3'
Protein context (NP_004376.2, residues 1403-1423): TTTPSVQYIN[Gly1413Val]KHLVTTVPKD